The following is an entry in ClinVar:

NM_000520.6(HEXA):c.608G>A (p.Trp203Ter)

Gene: HEXA (hexosaminidase subunit alpha; minus strand). Cytogenetic location: 15q23.
Variant type: single nucleotide variant.
Coding change: c.608G>A on transcript NM_000520.6 (MANE Select); coding-DNA position 608, G replaced by A.
Protein change: p.Trp203Ter; replaces tryptophan 203 with a stop codon.
Molecular consequence: nonsense. On other transcripts: non-coding transcript variant (1).
Genome position (GRCh38, 1-based): chr15:72,351,197, C>T on the plus strand (G>A on the coding strand, the complement: HEXA is on the minus strand). VCF-style: chr15-72351197-C-T. GRCh37 (hg19) VCF-style: chr15-72643538-C-T.
Other names: c.641G>A, p.Trp214Ter (NM_001318825.2); short protein forms W203*, W214*.
Identifiers: ClinVar variation 3642509 (VCV003642509.2).

ClinVar aggregate classification (germline): Pathogenic (1 of 4 stars; one submission).

Conditions:
Tay-Sachs disease (TSD). Also called: HEXA DEFICIENCY; GM2 gangliosidosis, type 1; Hexosaminidase alpha-subunit deficiency (variant B); Sphingolipidosis, Tay-Sachs; Hexosaminidase A Deficiency; HEXA Disorders. Identifiers: Orphanet 845, MedGen C0039373, MONDO:0010100, OMIM 272800.

Submission:

Labcorp Genetics (formerly Invitae), Labcorp
Classification: Pathogenic for Tay-Sachs disease. Last evaluated: 2024-02-22. Review status: criteria provided, single submitter. Criteria: Invitae Variant Classification Sherloc (09022015). Collection method: clinical testing. Allele origin: germline.
Comment: This sequence change creates a premature translational stop signal (p.Trp203*) in the HEXA gene. It is expected to result in an absent or disrupted protein product. Loss-of-function variants in HEXA are known to be pathogenic (PMID: 1833974, 8490625). This variant is not present in population databases (gnomAD no frequency). This variant has not been reported in the literature in individuals affected with HEXA-related conditions. Algorithms developed to predict the effect of sequence changes on RNA splicing suggest that this variant may disrupt the consensus splice site. For these reasons, this variant has been classified as Pathogenic.

Literature cited by the submitters: PubMed 1833974; PubMed 8490625.